The following is an entry in ClinVar:

NM_003873.7(NRP1):c.*5A>T

Gene: NRP1 (neuropilin 1; minus strand). Cytogenetic location: 10p11.22.
Variant type: single nucleotide variant.
Coding change: c.*5A>T on transcript NM_003873.7 (MANE Select); 5 bases downstream of the stop codon, A replaced by T.
Molecular consequence: 3 prime UTR variant. On other transcripts: non-coding transcript variant (1).
Genome position (GRCh38, 1-based): chr10:33,180,071, T>A on the plus strand (A>T on the coding strand, the complement: NRP1 is on the minus strand). VCF-style: chr10-33180071-T-A. GRCh37 (hg19) VCF-style: chr10-33468999-T-A.
Other names: c.*5A>T (NM_001244972.2, NM_001244973.2, NM_001330068.2).
Identifiers: ClinVar variation 3356335 (VCV003356335.1).

ClinVar aggregate classification (germline): Likely benign (0 of 4 stars; one submission).

Conditions:
NRP1-related disorder. Also called: NRP1-related condition.

gnomAD v4.1: 1 of 1,613,176 alleles (0.000062%); highest among the groups gnomAD compares: African/African-American, 0.0013%; no homozygotes.

Submission:

PreventionGenetics, part of Exact Sciences
Classification: Likely benign for NRP1-related condition. Last evaluated: 2022-07-20. Review status: no assertion criteria provided. Collection method: clinical testing. Allele origin: germline.
Comment: This variant is classified as likely benign based on ACMG/AMP sequence variant interpretation guidelines (Richards et al. 2015 PMID: 25741868, with internal and published modifications).